The following is an entry in ClinVar:

ClinVar aggregate classification (germline): Uncertain significance (1 of 4 stars; one submission).

Conditions:
Neuronal ceroid lipofuscinosis. Also called: Neuronal Ceroid Lipofuscinoses. Identifiers: Orphanet 216, Orphanet 79263, MedGen C0027877, MONDO:0016295. Disease mechanism: loss of function.

Allele frequency attached by ClinVar (database versions not stated): gnomAD exomes below 0.00001; TOPMed 0.00001.

Submission:

Labcorp Genetics (formerly Invitae), Labcorp
Classification: Uncertain significance for Neuronal ceroid lipofuscinosis. Last evaluated: 2022-02-05. Review status: criteria provided, single submitter. Criteria: Invitae Variant Classification Sherloc (09022015). Collection method: clinical testing. Allele origin: germline.
Comment: This sequence change falls in intron 14 of the CLN3 gene. It does not directly change the encoded amino acid sequence of the CLN3 protein. This variant is not present in population databases (gnomAD no frequency). This variant has not been reported in the literature in individuals affected with CLN3-related conditions. ClinVar contains an entry for this variant (Variation ID: 641439). Algorithms developed to predict the effect of sequence changes on RNA splicing suggest that this variant may disrupt the consensus splice site. In summary, the available evidence is currently insufficient to determine the role of this variant in disease. Therefore, it has been classified as a Variant of Uncertain Significance.

NM_001042432.2(CLN3):c.1057-9del

Gene: CLN3 (CLN3 lysosomal/endosomal transmembrane protein, battenin; minus strand). Cytogenetic location: 16p12.1.
Variant type: Deletion.
Coding change: c.1057-9del on transcript NM_001042432.2 (MANE Select); 9 bases into the intron before coding-DNA position 1057, one base deleted (T; older notation c.1057-9delT).
Molecular consequence: intron variant.
Genome position (GRCh38, 1-based): chr16:28,477,886, A deleted on the plus strand (T on the coding strand, the reverse complement: CLN3 is on the minus strand). VCF-style (leftmost placement, unchanged base first): chr16-28477885-CA-C. GRCh37 (hg19) VCF-style: chr16-28489206-CA-C.
Other names: c.823-9del (NM_001286109.2); c.985-9del (NM_001286104.2); c.757-9del (NM_001286105.2); c.895-9del (NM_001286110.2); c.1057-9del (NM_000086.2); c.1057-9delT (NM_001042432.1).
Identifiers: ClinVar variation 641439 (VCV000641439.6), dbSNP rs1288269632, ClinGen allele CA719663809.